The following is an entry in ClinVar:

ClinVar aggregate classification (germline): Uncertain significance. Review status: criteria provided, multiple submitters, no conflicts (2 of 4 stars). 2 submissions from 2 submitters: Uncertain significance (2). Last evaluated 2024-03-15.

Conditions:
Emery-Dreifuss muscular dystrophy 5, autosomal dominant (EDMD5). Also called: EMERY-DREIFUSS MUSCULAR DYSTROPHY 5. Identifiers: Orphanet 261, MedGen C2751805, MONDO:0013072, OMIM 612999.

Allele frequency attached by ClinVar (database versions not stated): gnomAD exomes below 0.00001; gnomAD 0.00004; TOPMed 0.00006.
gnomAD v4.1: 10 of 1,614,074 alleles (0.00062%); highest among the groups gnomAD compares: Admixed American, 0.012%; no homozygotes.

Submissions (2):

Labcorp Genetics (formerly Invitae), Labcorp
Classification: Uncertain significance for Emery-Dreifuss muscular dystrophy 5, autosomal dominant. Last evaluated: 2024-03-15. Review status: criteria provided, single submitter. Criteria: Invitae Variant Classification Sherloc (09022015). Collection method: clinical testing. Allele origin: germline.
Comment: This sequence change replaces serine, which is neutral and polar, with tyrosine, which is neutral and polar, at codon 5857 of the SYNE2 protein (p.Ser5857Tyr). This variant is not present in population databases (gnomAD no frequency). This variant has not been reported in the literature in individuals affected with SYNE2-related conditions. An algorithm developed to predict the effect of missense changes on protein structure and function (PolyPhen-2) suggests that this variant is likely to be disruptive. In summary, the available evidence is currently insufficient to determine the role of this variant in disease. Therefore, it has been classified as a Variant of Uncertain Significance.

Ambry Genetics
Classification: Uncertain significance. Last evaluated: 2024-03-07. Review status: criteria provided, single submitter. Criteria: Ambry Variant Classification Scheme 2023. Collection method: clinical testing. Allele origin: germline.

NM_182914.3(SYNE2):c.17570C>A (p.Ser5857Tyr)

Gene: SYNE2 (spectrin repeat containing nuclear envelope protein 2; plus strand). Cytogenetic location: 14q23.2.
Variant type: single nucleotide variant.
Coding change: c.17570C>A on transcript NM_182914.3 (MANE Select); coding-DNA position 17570, C replaced by A.
Protein change: p.Ser5857Tyr; replaces serine 5857 with tyrosine.
Molecular consequence: missense variant.
Genome position (GRCh38, 1-based): chr14:64,186,437, C>A. VCF-style: chr14-64186437-C-A. GRCh37 (hg19) VCF-style: chr14-64653155-C-A.
Other names: c.17570C>A, p.Ser5857Tyr (NM_015180.6); c.17570C>A (NM_182914.2); short protein forms S5857Y.
Identifiers: ClinVar variation 2710045 (VCV002710045.4), dbSNP rs1189890502, ClinGen allele CA389989957.
Genomic context (GRCh38, chr14:64,186,437, plus strand): 5'-CCGCTTGAGTTGAAGGCTTTTTACCCCCTTCTTGTGATTAAATGCAGGAACTAGAACAGT[C>A]TTTGGCTAGCTGGACTCAGAACTTGAAAGAACTTCAAACTATGAAGGCGGACTTAACCCG-3'
Protein context (NP_878918.2, residues 5847-5867): EKELIKELEQ[Ser5857Tyr]LASWTQNLKE